The following is an entry in ClinVar:

NM_001943.5(DSG2):c.2539A>G (p.Ile847Val)

Genes: DSG2 (desmoglein 2; plus strand), DSG2-AS1 (DSG2 antisense RNA 1; minus strand). Cytogenetic location: 18q12.1.
Variant type: single nucleotide variant.
Coding change: c.2539A>G on transcript NM_001943.5 (MANE Select); coding-DNA position 2539, A replaced by G.
Protein change: p.Ile847Val; replaces isoleucine 847 with valine.
Molecular consequence: missense variant.
Genome position (GRCh38, 1-based): chr18:31,545,925, A>G. VCF-style: chr18-31545925-A-G. GRCh37 (hg19) VCF-style: chr18-29125888-A-G.
Other names: short protein forms I847V.
Identifiers: ClinVar variation 2775237 (VCV002775237.3), dbSNP rs1414769053, ClinGen allele CA402144917.

ClinVar aggregate classification (germline): Uncertain significance. Review status: criteria provided, multiple submitters, no conflicts (2 of 4 stars). 2 submissions from 2 submitters: Uncertain significance (2). Last evaluated 2026-06-12.

Conditions:
Cardiovascular phenotype. Identifiers: MedGen CN230736.
Cardiomyopathy (CMYO). Also called: Cardiomyopathies. Identifiers: Orphanet 167848, MedGen C0878544, MONDO:0004994, HP:0001638. Inheritance: Various modes of inheritance.

Allele frequency attached by ClinVar (database versions not stated): gnomAD 0.00001; TOPMed below 0.00001; gnomAD exomes below 0.00001.
gnomAD v4.1: 3 of 1,614,074 alleles (0.00019%); highest among the groups gnomAD compares: African/African-American, 0.0013%; no homozygotes.

Submissions (2):

Ambry Genetics
Classification: Uncertain significance for Cardiovascular phenotype. Last evaluated: 2026-06-12. Review status: criteria provided, single submitter. Criteria: Ambry Variant Classification Scheme 2023. Collection method: clinical testing. Allele origin: germline.
Comment: The p.I847V variant (also known as c.2539A>G), located in coding exon 15 of the DSG2 gene, results from an A to G substitution at nucleotide position 2539. The isoleucine at codon 847 is replaced by valine, an amino acid with highly similar properties. This amino acid position is conserved. In addition, this alteration is predicted to be tolerated by in silico analysis. Based on the available evidence, the clinical significance of this variant remains unclear.

Color Diagnostics, LLC DBA Color Health
Classification: Uncertain significance for Cardiomyopathy. Last evaluated: 2024-03-07. Review status: criteria provided, single submitter. Criteria: ACMG Guidelines, 2015. Collection method: clinical testing. Allele origin: germline.
Comment: This missense variant replaces isoleucine with valine at codon 847 of the DSG2 protein. Computational prediction suggests that this variant may not impact protein structure and function (internally defined REVEL score threshold <= 0.5, PMID: 27666373). To our knowledge, functional studies have not been reported for this variant. This variant has not been reported in individuals affected with cardiovascular disorders in the literature. This variant has not been identified in the general population by the Genome Aggregation Database (gnomAD). The available evidence is insufficient to determine the role of this variant in disease conclusively. Therefore, this variant is classified as a Variant of Uncertain Significance.